The following is an entry in ClinVar:

ClinVar aggregate classification (germline): Uncertain significance. Review status: criteria provided, multiple submitters, no conflicts (2 of 4 stars). 3 submissions from 3 submitters: Uncertain significance (3). Last evaluated 2023-01-11.

Conditions:
Hyperkalemic periodic paralysis. Also called: Familial hyperkalemic periodic paralysis; Gamstorp disease. Identifiers: Orphanet 682, MedGen C0238357, MONDO:0008224, OMIM 170500, HP:0007215.

Allele frequency attached by ClinVar (database versions not stated): TOPMed below 0.00001; gnomAD exomes 0.00001.
gnomAD v4.1: 5 of 1,600,632 alleles (0.00031%); highest among the groups gnomAD compares: Admixed American, 0.0017%; no homozygotes.

Submissions (3):

Revvity Omics, Revvity
Classification: Uncertain significance. Last evaluated: 2023-01-11. Review status: criteria provided, single submitter. Criteria: ACMG Guidelines, 2015. Collection method: clinical testing. Allele origin: germline.

Labcorp Genetics (formerly Invitae), Labcorp
Classification: Uncertain significance for Hyperkalemic periodic paralysis. Last evaluated: 2022-12-31. Review status: criteria provided, single submitter. Criteria: Invitae Variant Classification Sherloc (09022015). Collection method: clinical testing. Allele origin: germline.
Comment: The frequency data for this variant in the population databases is considered unreliable, as metrics indicate poor data quality at this position in the gnomAD database. This variant has not been reported in the literature in individuals affected with SCN4A-related conditions. Advanced modeling of protein sequence and biophysical properties (such as structural, functional, and spatial information, amino acid conservation, physicochemical variation, residue mobility, and thermodynamic stability) performed at Invitae indicates that this missense variant is not expected to disrupt SCN4A protein function. In summary, the available evidence is currently insufficient to determine the role of this variant in disease. Therefore, it has been classified as a Variant of Uncertain Significance. This sequence change replaces asparagine, which is neutral and polar, with lysine, which is basic and polar, at codon 984 of the SCN4A protein (p.Asn984Lys).

GeneDx
Classification: Uncertain significance. Last evaluated: 2022-09-23. Review status: criteria provided, single submitter. Criteria: GeneDx Variant Classification Process June 2021. Collection method: clinical testing. Allele origin: germline. Affected: yes.
Comment: Not observed at significant frequency in large population cohorts (gnomAD); In silico analysis supports that this missense variant does not alter protein structure/function; Has not been previously published as pathogenic or benign to our knowledge

NM_000334.4(SCN4A):c.2952C>A (p.Asn984Lys)

Genes: GH-LCR (growth hormone locus control region; plus strand), SCN4A (sodium voltage-gated channel alpha subunit 4; minus strand). Cytogenetic location: 17q23.3.
Variant type: single nucleotide variant.
Coding change: c.2952C>A on transcript NM_000334.4 (MANE Select); coding-DNA position 2952, C replaced by A.
Protein change: p.Asn984Lys; replaces asparagine 984 with lysine.
Molecular consequence: missense variant.
Genome position (GRCh38, 1-based): chr17:63,949,430, G>T on the plus strand (C>A on the coding strand, the complement: SCN4A is on the minus strand). VCF-style: chr17-63949430-G-T. GRCh37 (hg19) VCF-style: chr17-62026790-G-T.
Other names: short protein forms N984K.
Identifiers: ClinVar variation 2435739 (VCV002435739.7), dbSNP rs929800145, ClinGen allele CA292963456.
Genomic context (GRCh38, chr17:63,949,430, plus strand): 5'-GATGAGGTGAGGGGTGCCCTCACCCTCAGTGAAGCACTCCTCAGGCTGCTCCCCCTCGGG[G>T]TTCTCCTCTGCCTGCTCCTCAGGGTCCTCCTCGGGGGGCTTGTAGTCAGCTGTGCTGCAG-3'
Protein context (NP_000325.4, residues 974-994): EEDPEEQAEE[Asn984Lys]PEGEQPEECF